The following is an entry in ClinVar:

NM_001009944.3(PKD1):c.1654G>T (p.Asp552Tyr)

Gene: PKD1 (polycystin 1, transient receptor potential channel interacting; minus strand). Cytogenetic location: 16p13.3.
Variant type: single nucleotide variant.
Coding change: c.1654G>T on transcript NM_001009944.3 (MANE Select); coding-DNA position 1654, G replaced by T.
Protein change: p.Asp552Tyr; replaces aspartic acid 552 with tyrosine.
Molecular consequence: missense variant.
Genome position (GRCh38, 1-based): chr16:2,116,597, C>A on the plus strand (G>T on the coding strand, the complement: PKD1 is on the minus strand). VCF-style: chr16-2116597-C-A. GRCh37 (hg19) VCF-style: chr16-2166598-C-A.
Other names: c.1654G>T, p.Asp552Tyr (NM_000296.4); short protein forms D552Y.
Identifiers: ClinVar variation 4993198 (VCV004993198.1).

ClinVar aggregate classification (germline): Uncertain significance (1 of 4 stars; one submission).

Conditions:
PKD1-related disorder. Also called: PKD1-related condition.

Submission:

PreventionGenetics, part of Exact Sciences
Classification: Uncertain significance for PKD1-related condition. Last evaluated: 2025-08-18. Review status: criteria provided, single submitter. Criteria: ACMG Guidelines, 2015. Collection method: clinical testing. Allele origin: germline.
Comment: The PKD1 c.1654G>T variant is predicted to result in the amino acid substitution p.Asp552Tyr. This variant was reported in an individual with autosomal dominant polycystic kidney disease (ADPKD) (Supplementary Table, Yan et al. 2022. PubMed ID: 36186434). This variant was also reported in a preimplantation genetic testing-monogenic disease (PGT-M) study (Wang et al. 2021. PubMed ID: 33939064). This variant is reported in 0.0070% of alleles in individuals of East Asian descent in gnomAD. At this time, the clinical significance of this variant is uncertain due to the absence of conclusive functional and genetic evidence.